The following is an entry in ClinVar:

NM_017780.4(CHD7):c.586G>A (p.Gly196Arg)

Gene: CHD7 (chromodomain helicase DNA binding protein 7; plus strand). Cytogenetic location: 8q12.2.
Variant type: single nucleotide variant.
Coding change: c.586G>A on transcript NM_017780.4 (MANE Select); coding-DNA position 586, G replaced by A.
Protein change: p.Gly196Arg; replaces glycine 196 with arginine.
Molecular consequence: missense variant.
Genome position (GRCh38, 1-based): chr8:60,742,018, G>A. VCF-style: chr8-60742018-G-A. GRCh37 (hg19) VCF-style: chr8-61654577-G-A.
Other names: c.586G>A, p.Gly196Arg (NM_001316690.1); short protein forms G196R.
Identifiers: ClinVar variation 2633673 (VCV002633673.1), dbSNP rs1809056590, ClinGen allele CA371298158.
Genomic context (GRCh38, chr8:60,742,018, plus strand): 5'-GGGCCCCCTGCACAGGGCCACCCTCAGCACATGCAGCAGATGGGCAGCTATATGGCACGT[G>A]GGGATTTTTCCATGCAGCAGCATGGTCAGCCACAGCAGAGGATGAGCCAGTTTTCCCAAG-3'
Protein context (NP_060250.2, residues 186-206): MQQMGSYMAR[Gly196Arg]DFSMQQHGQP

ClinVar aggregate classification (germline): Uncertain significance (1 of 4 stars; one submission).

Conditions:
CHD7-related disorder. Also called: CHD7-related condition.

Allele frequency attached by ClinVar (database versions not stated): gnomAD exomes 0.00001.
gnomAD v4.1: 7 of 1,613,772 alleles (0.00043%); highest among the groups gnomAD compares: Non-Finnish European, 0.00059%; no homozygotes.

Submission:

PreventionGenetics, part of Exact Sciences
Classification: Uncertain significance for CHD7-related condition. Last evaluated: 2023-09-06. Review status: criteria provided, single submitter. Criteria: ACMG Guidelines, 2015. Collection method: clinical testing. Allele origin: germline.
Comment: The CHD7 c.586G>A variant is predicted to result in the amino acid substitution p.Gly196Arg. To our knowledge, this variant has not been reported in the literature or in a large population database, indicating this variant is rare. At this time, the clinical significance of this variant is uncertain due to the absence of conclusive functional and genetic evidence.